The following is an entry in ClinVar:

ClinVar aggregate classification (germline): Uncertain significance (1 of 4 stars; one submission).

Submission:

Labcorp Genetics (formerly Invitae), Labcorp
Classification: Uncertain significance. Last evaluated: 2024-07-01. Review status: criteria provided, single submitter. Criteria: Invitae Variant Classification Sherloc (09022015). Collection method: clinical testing. Allele origin: germline.
Comment: This sequence change replaces leucine, which is neutral and non-polar, with proline, which is neutral and non-polar, at codon 106 of the SLC25A19 protein (p.Leu106Pro). This variant is not present in population databases (gnomAD no frequency). This variant has not been reported in the literature in individuals affected with SLC25A19-related conditions. Advanced modeling of protein sequence and biophysical properties (such as structural, functional, and spatial information, amino acid conservation, physicochemical variation, residue mobility, and thermodynamic stability) performed at Invitae indicates that this missense variant is not expected to disrupt SLC25A19 protein function with a negative predictive value of 80%. In summary, the available evidence is currently insufficient to determine the role of this variant in disease. Therefore, it has been classified as a Variant of Uncertain Significance.

NM_001126121.2(SLC25A19):c.317T>C (p.Leu106Pro)

Gene: SLC25A19 (solute carrier family 25 member 19; minus strand). Cytogenetic location: 17q25.1.
Variant type: single nucleotide variant.
Coding change: c.317T>C on transcript NM_001126121.2 (MANE Select); coding-DNA position 317, T replaced by C.
Protein change: p.Leu106Pro; replaces leucine 106 with proline.
Molecular consequence: missense variant.
Genome position (GRCh38, 1-based): chr17:75,283,565, A>G on the plus strand (T>C on the coding strand, the complement: SLC25A19 is on the minus strand). VCF-style: chr17-75283565-A-G. GRCh37 (hg19) VCF-style: chr17-73279646-A-G.
Other names: c.317T>C, p.Leu106Pro (NM_001126122.2, NM_021734.5); short protein forms L106P.
Identifiers: ClinVar variation 2840994 (VCV002840994.3), dbSNP rs2545191973, ClinGen allele CA401005046.